The following is an entry in ClinVar:

NM_002427.4(MMP13):c.1080T>C (p.Tyr360=)

Gene: MMP13 (matrix metallopeptidase 13; minus strand). Cytogenetic location: 11q22.2.
Variant type: single nucleotide variant.
Coding change: c.1080T>C on transcript NM_002427.4 (MANE Select); coding-DNA position 1080, T replaced by C.
Protein change: p.Tyr360=; no amino-acid change (tyrosine 360 retained).
Molecular consequence: synonymous variant.
Genome position (GRCh38, 1-based): chr11:102,948,022, A>G on the plus strand (T>C on the coding strand, the complement: MMP13 is on the minus strand). VCF-style: chr11-102948022-A-G. GRCh37 (hg19) VCF-style: chr11-102818751-A-G.
Identifiers: ClinVar variation 301979 (VCV000301979.20), dbSNP rs61737008, ClinGen allele CA6251787.

ClinVar aggregate classification (germline): Benign/Likely benign. Review status: criteria provided, multiple submitters, no conflicts (2 of 4 stars). 6 submissions from 5 submitters: Benign (2); Likely benign (4). Last evaluated 2026-01-28.

Conditions:
Metaphyseal chondrodysplasia, Spahr type (MDST). Identifiers: Orphanet 2501, MedGen C0432225, MONDO:0009597, OMIM 250400.
Spondyloepimetaphyseal dysplasia, Missouri type. Identifiers: Orphanet 1040, Orphanet 93356, MedGen C1865832, MONDO:0011198, OMIM 602111.
Metaphyseal anadysplasia. Also called: Early-onset regressive form of metaphyseal dysplasia. Identifiers: Orphanet 1040, MedGen C0432226, MONDO:0015177.

Allele frequency attached by ClinVar (database versions not stated): gnomAD 0.00886 and 0.00951; TOPMed 0.00967; ESP Exome Variant Server 0.01046; 1000 Genomes Project 0.01078; 1000 Genomes Project 30x 0.01218; ExAC 0.00288.
gnomAD v4.1: 2,548 of 1,613,770 alleles (0.16%); highest among the groups gnomAD compares: African/African-American, 3.1%; 46 homozygotes.

Submissions (6):

Labcorp Genetics (formerly Invitae), Labcorp
Classification: Benign. Last evaluated: 2026-01-28. Review status: criteria provided, single submitter. Criteria: Invitae Variant Classification Sherloc (09022015). Collection method: clinical testing. Allele origin: germline.

Fulgent Genetics
Classification: Likely benign for Metaphyseal chondrodysplasia, Spahr type; Spondyloepimetaphyseal dysplasia, Missouri type. Last evaluated: 2022-01-13. Review status: criteria provided, single submitter. Criteria: ACMG Guidelines, 2015. Collection method: clinical testing. Allele origin: unknown.

GeneDx
Classification: Likely benign. Last evaluated: 2020-06-23. Review status: criteria provided, single submitter. Criteria: GeneDx Variant Classification Process June 2021. Collection method: clinical testing. Allele origin: germline. Affected: yes.

Illumina Laboratory Services, Illumina
Classification: Likely benign for Spondyloepimetaphyseal dysplasia, Missouri type. Last evaluated: 2018-01-12. Review status: criteria provided, single submitter. Criteria: ICSL Variant Classification Criteria 13 December 2019. Collection method: clinical testing. Allele origin: germline.
Comment: This variant was observed in the ICSL laboratory as part of a predisposition screen in an ostensibly healthy population. It had not been previously curated by ICSL or reported in the Human Gene Mutation Database (HGMD: prior to June 1st, 2018), and was therefore a candidate for classification through an automated scoring system. Utilizing variant allele frequency, disease prevalence and penetrance estimates, and inheritance mode, an automated score was calculated to assess if this variant is too frequent to cause the disease. Based on the score and internal cut-off values, a variant classified as likely benign is not then subjected to further curation. The score for this variant resulted in a classification of likely benign for this disease.

Illumina Laboratory Services, Illumina
Classification: Benign for Metaphyseal anadysplasia. Last evaluated: 2018-01-12. Review status: criteria provided, single submitter. Criteria: ICSL Variant Classification Criteria 13 December 2019. Collection method: clinical testing. Allele origin: germline.
Comment: This variant was observed in the ICSL laboratory as part of a predisposition screen in an ostensibly healthy population. It had not been previously curated by ICSL or reported in the Human Gene Mutation Database (HGMD: prior to June 1st, 2018), and was therefore a candidate for classification through an automated scoring system. Utilizing variant allele frequency, disease prevalence and penetrance estimates, and inheritance mode, an automated score was calculated to assess if this variant is too frequent to cause the disease. Based on the score and internal cut-off values, a variant classified as benign is not then subjected to further curation. The score for this variant resulted in a classification of benign for this disease.

Breakthrough Genomics
Classification: Likely benign. Review status: criteria provided, single submitter. Criteria: ACMG Guidelines, 2015. Collection method: not provided. Allele origin: germline. Inheritance: Autosomal recessive inheritance. Affected: yes.